The following is an entry in ClinVar:

ClinVar aggregate classification (germline): Likely pathogenic. Review status: criteria provided, multiple submitters, no conflicts (2 of 4 stars). 2 submissions from 2 submitters: Likely pathogenic (2). Last evaluated 2025-07-01.

Conditions:
Fanconi anemia complementation group J. Also called: BRIP1-Related Fanconi Anemia. Identifiers: Orphanet 84, MedGen C1836860, MONDO:0012187, OMIM 609054.
Familial cancer of breast. Also called: Hereditary breast cancer; hereditary breast carcinoma; BREAST CANCER, FAMILIAL. Identifiers: Orphanet 227535, MedGen C0346153, MONDO:0016419, OMIM 114480. Disease mechanism: loss of function.
Hereditary cancer-predisposing syndrome. Also called: Hereditary Cancer Syndrome; Neoplastic Syndromes, Hereditary; Tumor predisposition; Hereditary neoplastic syndrome. Identifiers: Orphanet 140162, MedGen C0027672, MeSH D009386, MONDO:0015356.

Submissions (2):

Ambry Genetics
Classification: Likely pathogenic for Hereditary cancer-predisposing syndrome. Last evaluated: 2025-07-01. Review status: criteria provided, single submitter. Criteria: Ambry Variant Classification Scheme 2023. Collection method: clinical testing. Allele origin: germline.
Comment: The c.1780T>G variant (also known as p.L594V), located in coding exon 11 of the BRIP1 gene, results from a T to G substitution at nucleotide position 1780. The leucine at codon 594 is replaced by valine, an amino acid with highly similar properties. This nucleotide position is highly conserved in available vertebrate species. In silico splice site analysis predicts that this alteration will result in the creation or strengthening of a novel splice donor site. RNA studies have demonstrated that this alteration results in abnormal splicing in the set of samples tested (Ambry internal data). Based on the majority of available evidence to date, this variant is likely to be pathogenic.

Labcorp Genetics (formerly Invitae), Labcorp
Classification: Likely pathogenic for Familial cancer of breast; Fanconi anemia complementation group J. Last evaluated: 2024-03-11. Review status: criteria provided, single submitter. Criteria: Invitae Variant Classification Sherloc (09022015). Collection method: clinical testing. Allele origin: germline.
Comment: This sequence change replaces leucine, which is neutral and non-polar, with valine, which is neutral and non-polar, at codon 594 of the BRIP1 protein (p.Leu594Val). RNA analysis indicates that this missense change induces altered splicing and may result in an absent or disrupted protein product. This variant is not present in population databases (gnomAD no frequency). This variant has not been reported in the literature in individuals affected with BRIP1-related conditions. ClinVar contains an entry for this variant (Variation ID: 229896). Advanced modeling of protein sequence and biophysical properties (such as structural, functional, and spatial information, amino acid conservation, physicochemical variation, residue mobility, and thermodynamic stability) performed at Invitae indicates that this missense variant is expected to disrupt BRIP1 protein function with a positive predictive value of 80%. Studies have shown that this missense change results in activation of a cryptic splice site and introduces a premature termination codon (Invitae). The resulting mRNA is expected to undergo nonsense-mediated decay. In summary, the currently available evidence indicates that the variant is pathogenic, but additional data are needed to prove that conclusively. Therefore, this variant has been classified as Likely Pathogenic.

NM_032043.3(BRIP1):c.1780T>G (p.Leu594Val)

Gene: BRIP1 (BRCA1 interacting DNA helicase 1; minus strand). Cytogenetic location: 17q23.2.
Variant type: single nucleotide variant.
Coding change: c.1780T>G on transcript NM_032043.3 (MANE Select); coding-DNA position 1780, T replaced by G.
Protein change: p.Leu594Val; replaces leucine 594 with valine.
Molecular consequence: missense variant.
Genome position (GRCh38, 1-based): chr17:61,780,854, A>C on the plus strand (T>G on the coding strand, the complement: BRIP1 is on the minus strand). VCF-style: chr17-61780854-A-C. GRCh37 (hg19) VCF-style: chr17-59858215-A-C.
Other names: short protein forms L594V.
Identifiers: ClinVar variation 229896 (VCV000229896.17), dbSNP rs876658256, ClinGen allele CA10580828.